The following is an entry in ClinVar:

NM_003482.4(KMT2D):c.13331G>C (p.Gly4444Ala)

Gene: KMT2D (lysine methyltransferase 2D; minus strand). Cytogenetic location: 12q13.12.
Variant type: single nucleotide variant.
Coding change: c.13331G>C on transcript NM_003482.4 (MANE Select); coding-DNA position 13331, G replaced by C.
Protein change: p.Gly4444Ala; replaces glycine 4444 with alanine.
Molecular consequence: missense variant.
Genome position (GRCh38, 1-based): chr12:49,031,374, C>G on the plus strand (G>C on the coding strand, the complement: KMT2D is on the minus strand). VCF-style: chr12-49031374-C-G. GRCh37 (hg19) VCF-style: chr12-49425157-C-G.
Other names: short protein forms G4444A.
Identifiers: ClinVar variation 1220380 (VCV001220380.10), dbSNP rs748820389, ClinGen allele CA236638581.

ClinVar aggregate classification (germline): Conflicting classifications of pathogenicity. Review status: criteria provided, conflicting classifications (1 of 4 stars). 5 submissions from 5 submitters: Uncertain significance (2); Benign (1); Likely benign (2). Last evaluated 2025-03-10.

Conditions:
Kabuki syndrome 1 (KABUK1). Also called: KMT2D-Related Kabuki Syndrome. Identifiers: Orphanet 2322, MedGen CN030661, MONDO:0007843, OMIM 147920.
Choanal atresia-athelia-hypothyroidism-delayed puberty-short stature syndrome (BCAHH). Also called: BRANCHIAL ARCH ABNORMALITIES, CHOANAL ATRESIA, ATHELIA, HEARING LOSS, AND HYPOTHYROIDISM SYNDROME. Identifiers: Orphanet 589856, MedGen C5680310, MONDO:0035651, OMIM 620186.
Inborn genetic diseases. Identifiers: MedGen C0950123, MeSH D030342.
KMT2D-related disorder. Also called: KMT2D-Related Disorders.
Kabuki syndrome. Also called: Kabuki make-up syndrome; NIIKAWA-KUROKI SYNDROME. Identifiers: Orphanet 2322, MedGen C0796004, MONDO:0016512.

gnomAD v4.1: 9 of 1,613,490 alleles (0.00056%); highest among the groups gnomAD compares: Admixed American, 0.013%; no homozygotes.

Submissions (5):

Labcorp Genetics (formerly Invitae), Labcorp
Classification: Benign for Kabuki syndrome. Last evaluated: 2025-03-10. Review status: criteria provided, single submitter. Criteria: Invitae Variant Classification Sherloc (09022015). Collection method: clinical testing. Allele origin: germline.

PreventionGenetics, part of Exact Sciences
Classification: Uncertain significance for KMT2D-related condition. Last evaluated: 2025-01-23. Review status: criteria provided, single submitter. Criteria: ACMG Guidelines, 2015. Collection method: clinical testing. Allele origin: germline.
Comment: The KMT2D c.13331G>C variant is predicted to result in the amino acid substitution p.Gly4444Ala. To our knowledge, this variant has not been reported in the literature. This variant was reported in 0.12% of alleles in individuals of Latino descent in gnomAD v2 (as displayed in the table above). However, in gnomAD v4 (available only on GRCh38), this variant is reported in 0.013%% of alleles individuals of Latino descent, including zero homozygotes. This population data is not consistent with this variant being a primary cause of disease. Although we suspect that this variant may be benign, at this time, the clinical significance of this variant is uncertain due to the absence of conclusive functional and genetic evidence.

Fulgent Genetics
Classification: Likely benign for Kabuki syndrome 1; Choanal atresia-athelia-hypothyroidism-delayed puberty-short stature syndrome. Last evaluated: 2024-06-10. Review status: criteria provided, single submitter. Criteria: ACMG Guidelines, 2015. Collection method: clinical testing. Allele origin: germline.

Ambry Genetics
Classification: Uncertain significance for Inborn genetic diseases. Last evaluated: 2024-01-30. Review status: criteria provided, single submitter. Criteria: Ambry Variant Classification Scheme 2023. Collection method: clinical testing. Allele origin: germline.

GeneDx
Classification: Likely benign. Last evaluated: 2021-01-05. Review status: criteria provided, single submitter. Criteria: GeneDx Variant Classification Process June 2021. Collection method: clinical testing. Allele origin: germline. Affected: yes.